The following is an entry in ClinVar:

NM_004183.4(BEST1):c.466C>T (p.His156Tyr)

Gene: BEST1 (bestrophin 1; plus strand). Cytogenetic location: 11q12.3.
Variant type: single nucleotide variant.
Coding change: c.466C>T on transcript NM_004183.4 (MANE Select); coding-DNA position 466, C replaced by T.
Protein change: p.His156Tyr; replaces histidine 156 with tyrosine.
Molecular consequence: missense variant. On other transcripts: 5 prime UTR variant (1), non-coding transcript variant (1).
Genome position (GRCh38, 1-based): chr11:61,955,936, C>T. VCF-style: chr11-61955936-C-T. GRCh37 (hg19) VCF-style: chr11-61723408-C-T.
Other names: c.286C>T, p.His96Tyr (NM_001139443.3, NM_001300786.2, NM_001300787.2 and 3 more transcripts); c.148C>T, p.His50Tyr (NM_001363591.3); c.466C>T, p.His156Tyr (NM_001363592.2, NM_001440571.1, NM_001440572.1 and 1 more transcripts); c.-710C>T (NM_001363593.3); short protein forms H156Y, H96Y, H50Y.
Identifiers: ClinVar variation 4765004 (VCV004765004.1).

ClinVar aggregate classification (germline): Uncertain significance (1 of 4 stars; one submission).

Submission:

Labcorp Genetics (formerly Invitae), Labcorp
Classification: Uncertain significance. Last evaluated: 2026-01-14. Review status: criteria provided, single submitter. Criteria: Invitae Variant Classification Sherloc (09022015). Collection method: clinical testing. Allele origin: germline.
Comment: This sequence change replaces histidine, which is basic and polar, with tyrosine, which is neutral and polar, at codon 156 of the BEST1 protein (p.His156Tyr). This variant is not present in population databases (gnomAD no frequency). This missense change has been observed in individual(s) with BEST1-related conditions (PMID: 35119454). Invitae Evidence Modeling of protein sequence and biophysical properties (such as structural, functional, and spatial information, amino acid conservation, physicochemical variation, residue mobility, and thermodynamic stability) indicates that this missense variant is expected to disrupt BEST1 protein function with a positive predictive value of 95%. In summary, the available evidence is currently insufficient to determine the role of this variant in disease. Therefore, it has been classified as a Variant of Uncertain Significance.

Literature cited by the submitters: PubMed 35119454.